The following is an entry in ClinVar:

NM_020163.3(SEMA3G):c.1935T>C (p.Leu645=)

Gene: SEMA3G (semaphorin 3G; minus strand). Cytogenetic location: 3p21.1.
Variant type: single nucleotide variant.
Coding change: c.1935T>C on transcript NM_020163.3 (MANE Select); coding-DNA position 1935, T replaced by C.
Protein change: p.Leu645=; no amino-acid change (leucine 645 retained).
Molecular consequence: synonymous variant.
Genome position (GRCh38, 1-based): chr3:52,436,017, A>G on the plus strand (T>C on the coding strand, the complement: SEMA3G is on the minus strand). VCF-style: chr3-52436017-A-G. GRCh37 (hg19) VCF-style: chr3-52470033-A-G.
Identifiers: ClinVar variation 3356672 (VCV003356672.1).

ClinVar aggregate classification (germline): Likely benign (0 of 4 stars; one submission).

Conditions:
SEMA3G-related disorder. Also called: SEMA3G-related condition.

gnomAD v4.1: 14 of 1,613,504 alleles (0.00087%); highest among the groups gnomAD compares: African/African-American, 0.019%; no homozygotes.

Submission:

PreventionGenetics, part of Exact Sciences
Classification: Likely benign for SEMA3G-related condition. Last evaluated: 2021-07-02. Review status: no assertion criteria provided. Collection method: clinical testing. Allele origin: germline.
Comment: This variant is classified as likely benign based on ACMG/AMP sequence variant interpretation guidelines (Richards et al. 2015 PMID: 25741868, with internal and published modifications).